The following is an entry in ClinVar:

NM_000189.5(HK2):c.1393G>C (p.Asp465His)

Gene: HK2 (hexokinase 2; plus strand). Cytogenetic location: 2p12.
Variant type: single nucleotide variant.
Coding change: c.1393G>C on transcript NM_000189.5 (MANE Select); coding-DNA position 1393, G replaced by C.
Protein change: p.Asp465His; replaces aspartic acid 465 with histidine.
Molecular consequence: missense variant.
Genome position (GRCh38, 1-based): chr2:74,880,392, G>C. VCF-style: chr2-74880392-G-C. GRCh37 (hg19) VCF-style: chr2-75107519-G-C.
Other names: c.1309G>C, p.Asp437His (NM_001371525.2); short protein forms D437H, D465H.
Identifiers: ClinVar variation 3045192 (VCV003045192.2), dbSNP rs113525671, ClinGen allele CA1731401.

ClinVar aggregate classification (germline): Likely benign (0 of 4 stars; one submission).

Conditions:
HK2-related disorder. Also called: HK2-related condition.

Allele frequency attached by ClinVar (database versions not stated): 1000 Genomes Project 0.00120; gnomAD 0.00159; 1000 Genomes Project 30x 0.00109; ESP Exome Variant Server 0.00185.
gnomAD v4.1: 766 of 1,614,100 alleles (0.047%); highest among the groups gnomAD compares: African/African-American, 0.52%; 2 homozygotes.

Submission:

PreventionGenetics, part of Exact Sciences
Classification: Likely benign for HK2-related condition. Last evaluated: 2023-04-09. Review status: no assertion criteria provided. Collection method: clinical testing. Allele origin: germline.
Comment: This variant is classified as likely benign based on ACMG/AMP sequence variant interpretation guidelines (Richards et al. 2015 PMID: 25741868, with internal and published modifications).